The following is an entry in ClinVar:

ClinVar aggregate classification (germline): Uncertain significance (1 of 4 stars; one submission).

Submission:

Ambry Genetics
Classification: Uncertain significance. Last evaluated: 2024-08-20. Review status: criteria provided, single submitter. Criteria: Ambry Variant Classification Scheme 2023. Collection method: clinical testing. Allele origin: germline.
Comment: The p.N146K variant (also known as c.438T>G), located in coding exon 2 of the GALNT12 gene, results from a T to G substitution at nucleotide position 438. The asparagine at codon 146 is replaced by lysine, an amino acid with similar properties. This amino acid position is highly conserved in available vertebrate species. In addition, the in silico prediction for this alteration is inconclusive. The evidence for this gene-disease relationship is limited; therefore, the clinical significance of this alteration is unclear.

NM_024642.5(GALNT12):c.438T>G (p.Asn146Lys)

Gene: GALNT12 (polypeptide N-acetylgalactosaminyltransferase 12; plus strand). Cytogenetic location: 9q22.33.
Variant type: single nucleotide variant.
Coding change: c.438T>G on transcript NM_024642.5 (MANE Select); coding-DNA position 438, T replaced by G.
Protein change: p.Asn146Lys; replaces asparagine 146 with lysine.
Molecular consequence: missense variant.
Genome position (GRCh38, 1-based): chr9:98,823,322, T>G. VCF-style: chr9-98823322-T-G. GRCh37 (hg19) VCF-style: chr9-101585604-T-G.
Other names: short protein forms N146K.
Identifiers: ClinVar variation 824857 (VCV000824857.5), dbSNP rs1588444665, ClinGen allele CA374216706.
Genomic context (GRCh38, chr9:98,823,322, plus strand): 5'-AGAGAAGAAATATGATTATGATAATTTGCCCAGGACATCTGTTATCATAGCATTTTATAA[T>G]GAAGCCTGGTCAACTCTCCTTCGGACAGTTTACAGTGTCCTTGAGACATCCCCGGATATC-3'
Protein context (NP_078918.3, residues 136-156): PRTSVIIAFY[Asn146Lys]EAWSTLLRTV